The following is an entry in ClinVar:

ClinVar aggregate classification (germline): Uncertain significance. Review status: criteria provided, multiple submitters, no conflicts (2 of 4 stars). 4 submissions from 4 submitters: Uncertain significance (2). 2 of the submissions do not count toward it. Last evaluated 2025-05-25.

Conditions:
Cystic fibrosis (CF). Also called: MUCOVISCIDOSIS. Identifiers: Orphanet 586, MedGen C0010674, MONDO:0009061, OMIM 219700. Disease mechanism: loss of function.
CFTR-related disorder (CFTR-RD). Also called: CFTR-related condition; CFTR-related disorders. Identifiers: MedGen C5924204, MONDO:7770004.

Allele frequency attached by ClinVar (database versions not stated): ExAC 0.00001; gnomAD 0.00001; gnomAD exomes 0.00001 and 0.00002; TOPMed 0.00003.
gnomAD v4.1: 28 of 1,613,954 alleles (0.0017%); highest among the groups gnomAD compares: Non-Finnish European, 0.0019%; no homozygotes.

Submissions (4):

Labcorp Genetics (formerly Invitae), Labcorp
Classification: Uncertain significance for Cystic fibrosis. Last evaluated: 2025-05-25. Review status: criteria provided, single submitter. Criteria: Invitae Variant Classification Sherloc (09022015). Collection method: clinical testing. Allele origin: germline.
Comment: This sequence change replaces valine, which is neutral and non-polar, with leucine, which is neutral and non-polar, at codon 915 of the CFTR protein (p.Val915Leu). This variant is present in population databases (rs770502501, gnomAD 0.02%). This variant has not been reported in the literature in individuals affected with CFTR-related conditions. ClinVar contains an entry for this variant (Variation ID: 652476). Invitae Evidence Modeling of protein sequence and biophysical properties (such as structural, functional, and spatial information, amino acid conservation, physicochemical variation, residue mobility, and thermodynamic stability) indicates that this missense variant is not expected to disrupt CFTR protein function with a negative predictive value of 80%. In summary, the available evidence is currently insufficient to determine the role of this variant in disease. Therefore, it has been classified as a Variant of Uncertain Significance.

Ambry Genetics
Classification: Uncertain significance for Cystic fibrosis. Last evaluated: 2023-03-23. Review status: criteria provided, single submitter. Criteria: Ambry Variant Classification Scheme 2023. Collection method: clinical testing. Allele origin: germline.
Comment: The p.V915L variant (also known as c.2743G>C), located in coding exon 17 of the CFTR gene, results from a G to C substitution at nucleotide position 2743. The valine at codon 915 is replaced by leucine, an amino acid with highly similar properties. This variant was detected in an asymptomatic, fertile carrier screening case who was referred due to family history of cystic fibrosis (Pagin A et al. PLoS ONE, 2016 Feb;11:e0149426). This amino acid position is poorly conserved in available vertebrate species. In addition, the in silico prediction for this alteration is inconclusive. Since supporting evidence is limited at this time, the clinical significance of this alteration remains unclear.

PreventionGenetics, part of Exact Sciences
Classification: Uncertain significance for CFTR-related condition. Last evaluated: 2024-07-15. Review status: no assertion criteria provided. Collection method: clinical testing. Allele origin: germline. Not counted in ClinVar's aggregate classification.
Comment: The CFTR c.2743G>C variant is predicted to result in the amino acid substitution p.Val915Leu. This variant has not been reported in an individual with a CFTR-related phenotype, but has been reported in asymptomatic individuals with a family history of CFTR-related disease (Table S2, Pagin et al. 2016. PubMed ID: 26900683). It has also been reported in a compound heterozygous individual who was considered immunoreactive trypsinogen negative (Table 1, Castellani et al. 2017. PubMed ID: 26755536). This variant is reported in 0.0099% of alleles in individuals of Ashkenazi Jewish descent in gnomAD . At this time, the clinical significance of this variant is uncertain due to the absence of conclusive functional and genetic evidence.

Natera, Inc.
Classification: Uncertain significance for Cystic Fibrosis. Last evaluated: 2020-09-16. Review status: no assertion criteria provided. Collection method: clinical testing. Allele origin: germline. Not counted in ClinVar's aggregate classification.

Literature cited by the submitters: PubMed 26755536 (cited by Ambry Genetics); PubMed 26900683 (cited by Ambry Genetics).

NM_000492.4(CFTR):c.2743G>C (p.Val915Leu)

Gene: CFTR (CF transmembrane conductance regulator; plus strand). Cytogenetic location: 7q31.2.
Variant type: single nucleotide variant.
Coding change: c.2743G>C on transcript NM_000492.4 (MANE Select); coding-DNA position 2743, G replaced by C.
Protein change: p.Val915Leu; replaces valine 915 with leucine.
Molecular consequence: missense variant.
Genome position (GRCh38, 1-based): chr7:117,603,617, G>C. VCF-style: chr7-117603617-G-C. GRCh37 (hg19) VCF-style: chr7-117243671-G-C.
Other names: short protein forms V915L.
Identifiers: ClinVar variation 652476 (VCV000652476.9), dbSNP rs770502501, ClinGen allele CA4451282.